The following is an entry in ClinVar:

ClinVar aggregate classification (germline): Uncertain significance (1 of 4 stars; one submission).

Conditions:
Hereditary cancer-predisposing syndrome. Also called: Neoplastic Syndromes, Hereditary; Hereditary Cancer Syndrome; Tumor predisposition; Hereditary neoplastic syndrome. Identifiers: Orphanet 140162, MedGen C0027672, MeSH D009386, MONDO:0015356.

Submission:

Ambry Genetics
Classification: Uncertain significance for Hereditary cancer-predisposing syndrome. Last evaluated: 2025-02-12. Review status: criteria provided, single submitter. Criteria: Ambry Variant Classification Scheme 2023. Collection method: clinical testing. Allele origin: germline.
Comment: The p.V1256L variant (also known as c.3766G>C), located in coding exon 22 of the PTCH1 gene, results from a G to C substitution at nucleotide position 3766. The valine at codon 1256 is replaced by leucine, an amino acid with highly similar properties. This amino acid position is conserved. In addition, this alteration is predicted to be tolerated by in silico analysis. Based on the available evidence, the clinical significance of this variant remains unclear.

NM_000264.5(PTCH1):c.3766G>C (p.Val1256Leu)

Gene: PTCH1 (patched 1; minus strand). Cytogenetic location: 9q22.32.
Variant type: single nucleotide variant.
Coding change: c.3766G>C on transcript NM_000264.5 (MANE Select); coding-DNA position 3766, G replaced by C.
Protein change: p.Val1256Leu; replaces valine 1256 with leucine.
Molecular consequence: missense variant. On other transcripts: non-coding transcript variant (1).
Genome position (GRCh38, 1-based): chr9:95,449,107, C>G on the plus strand (G>C on the coding strand, the complement: PTCH1 is on the minus strand). VCF-style: chr9-95449107-C-G. GRCh37 (hg19) VCF-style: chr9-98211389-C-G.
Other names: c.3568G>C, p.Val1190Leu (NM_001083602.3); c.3763G>C, p.Val1255Leu (NM_001083603.3); c.3313G>C, p.Val1105Leu (NM_001083604.3, NM_001083605.3, NM_001083606.3 and 1 more transcripts); c.3610G>C, p.Val1204Leu (NM_001354918.2); short protein forms V1105L, V1256L, V1190L, V1255L, V1204L.
Identifiers: ClinVar variation 3784665 (VCV003784665.1).